The following is an entry in ClinVar:

NM_000170.3(GLDC):c.1567C>G (p.Gln523Glu)

Gene: GLDC (glycine decarboxylase; minus strand). Cytogenetic location: 9p24.1.
Variant type: single nucleotide variant.
Coding change: c.1567C>G on transcript NM_000170.3 (MANE Select); coding-DNA position 1567, C replaced by G.
Protein change: p.Gln523Glu; replaces glutamine 523 with glutamic acid.
Molecular consequence: missense variant.
Genome position (GRCh38, 1-based): chr9:6,589,208, G>C on the plus strand (C>G on the coding strand, the complement: GLDC is on the minus strand). VCF-style: chr9-6589208-G-C. GRCh37 (hg19) VCF-style: chr9-6589208-G-C.
Other names: short protein forms Q523E.
Identifiers: ClinVar variation 1695243 (VCV001695243.34), dbSNP rs199711131, ClinGen allele CA4980652.

ClinVar aggregate classification (germline): Uncertain significance. Review status: criteria provided, multiple submitters, no conflicts (2 of 4 stars). 3 submissions from 3 submitters: Uncertain significance (3). Last evaluated 2022-08-16.

Conditions:
Glycine encephalopathy. Also called: Nonketotic hyperglycinemia; Non-ketotic hyperglycinemia. Identifiers: Orphanet 407, MedGen C0751748, MONDO:0011612, HP:0008288.

Allele frequency attached by ClinVar (database versions not stated): gnomAD 0.00001 and 0.00003; gnomAD exomes 0.00001 and 0.00002; ExAC 0.00002; 1000 Genomes Project 0.00040; 1000 Genomes Project 30x 0.00062.
gnomAD v4.1: 15 of 1,596,082 alleles (0.00094%); highest among the groups gnomAD compares: Admixed American, 0.0033%; no homozygotes.

Submissions (3):

Labcorp Genetics (formerly Invitae), Labcorp
Classification: Uncertain significance for Glycine encephalopathy. Last evaluated: 2022-08-16. Review status: criteria provided, single submitter. Criteria: Invitae Variant Classification Sherloc (09022015). Collection method: clinical testing. Allele origin: germline.
Comment: This sequence change replaces glutamine, which is neutral and polar, with glutamic acid, which is acidic and polar, at codon 523 of the GLDC protein (p.Gln523Glu). This variant is present in population databases (rs199711131, gnomAD 0.007%). This variant has not been reported in the literature in individuals affected with GLDC-related conditions. ClinVar contains an entry for this variant (Variation ID: 1695243). Advanced modeling of protein sequence and biophysical properties (such as structural, functional, and spatial information, amino acid conservation, physicochemical variation, residue mobility, and thermodynamic stability) performed at Invitae indicates that this missense variant is not expected to disrupt GLDC protein function. In summary, the available evidence is currently insufficient to determine the role of this variant in disease. Therefore, it has been classified as a Variant of Uncertain Significance.

CeGaT Center for Human Genetics Tuebingen
Classification: Uncertain significance. Last evaluated: 2022-05-01. Review status: criteria provided, single submitter. Criteria: CeGaT Center For Human Genetics Tuebingen Variant Classification Criteria Version 2. Collection method: clinical testing. Allele origin: germline. Affected: yes. Observed: 1 variant allele.

Breakthrough Genomics
Classification: Uncertain significance. Review status: criteria provided, single submitter. Criteria: ACMG Guidelines, 2015. Collection method: not provided. Allele origin: germline. Inheritance: Autosomal recessive inheritance. Affected: yes.